The following is an entry in ClinVar:

NM_001844.5(COL2A1):c.4429T>C (p.Phe1477Leu)

Gene: COL2A1 (collagen type II alpha 1 chain; minus strand). Cytogenetic location: 12q13.11.
Variant type: single nucleotide variant.
Coding change: c.4429T>C on transcript NM_001844.5 (MANE Select); coding-DNA position 4429, T replaced by C.
Protein change: p.Phe1477Leu; replaces phenylalanine 1477 with leucine.
Molecular consequence: missense variant.
Genome position (GRCh38, 1-based): chr12:47,973,442, A>G on the plus strand (T>C on the coding strand, the complement: COL2A1 is on the minus strand). VCF-style: chr12-47973442-A-G. GRCh37 (hg19) VCF-style: chr12-48367225-A-G.
Other names: c.4222T>C, p.Phe1408Leu (NM_033150.3); short protein forms F1408L, F1477L.
Identifiers: ClinVar variation 1364793 (VCV001364793.8), dbSNP rs2136501824, ClinGen allele CA384533139.

ClinVar aggregate classification (germline): Uncertain significance (1 of 4 stars; one submission).

Submission:

Labcorp Genetics (formerly Invitae), Labcorp
Classification: Uncertain significance. Last evaluated: 2021-07-01. Review status: criteria provided, single submitter. Criteria: Invitae Variant Classification Sherloc (09022015). Collection method: clinical testing. Allele origin: germline.
Comment: This variant is not present in population databases (ExAC no frequency). This sequence change replaces phenylalanine with leucine at codon 1477 of the COL2A1 protein (p.Phe1477Leu). The phenylalanine residue is highly conserved and there is a small physicochemical difference between phenylalanine and leucine. This variant has not been reported in the literature in individuals affected with COL2A1-related conditions. Advanced modeling of protein sequence and biophysical properties (such as structural, functional, and spatial information, amino acid conservation, physicochemical variation, residue mobility, and thermodynamic stability) performed at Invitae indicates that this missense variant is not expected to disrupt COL2A1 protein function. In summary, the available evidence is currently insufficient to determine the role of this variant in disease. Therefore, it has been classified as a Variant of Uncertain Significance.